The following is an entry in ClinVar:

ClinVar aggregate classification (germline): Benign. Review status: criteria provided, multiple submitters, no conflicts (2 of 4 stars). 5 submissions from 5 submitters: Benign (4). 1 of the submissions does not count toward it. Last evaluated 2026-02-01.

Conditions:
TXNRD2-related disorder. Also called: TXNRD2-related condition.
Cardiovascular phenotype. Identifiers: MedGen CN230736.
Primary dilated cardiomyopathy (DCM). Also called: Dilated Cardiomyopathy. Identifiers: Orphanet 217604, MedGen C0007193, MeSH D002311, MONDO:0005021, HP:0001644. Inheritance: Various modes of inheritance.

Allele frequency attached by ClinVar (database versions not stated): ExAC 0.00274; 1000 Genomes Project 0.00859; 1000 Genomes Project 30x 0.00859; gnomAD 0.00909 and 0.00966; TOPMed 0.00966; ESP Exome Variant Server 0.01023.
gnomAD v4.1: 2,738 of 1,613,714 alleles (0.17%); highest among the groups gnomAD compares: African/African-American, 3.2%; 34 homozygotes.

Submissions (5):

Labcorp Genetics (formerly Invitae), Labcorp
Classification: Benign for Primary dilated cardiomyopathy. Last evaluated: 2026-02-01. Review status: criteria provided, single submitter. Criteria: Invitae Variant Classification Sherloc (09022015). Collection method: clinical testing. Allele origin: germline.

GeneDx
Classification: Benign. Last evaluated: 2016-11-28. Review status: criteria provided, single submitter. Criteria: GeneDx Variant Classification (06012015). Collection method: clinical testing. Allele origin: germline. Affected: yes.
Comment: This variant is considered likely benign or benign based on one or more of the following criteria: it is a conservative change, it occurs at a poorly conserved position in the protein, it is predicted to be benign by multiple in silico algorithms, and/or has population frequency not consistent with disease.

Ambry Genetics
Classification: Benign for Cardiovascular phenotype. Last evaluated: 2015-07-27. Review status: criteria provided, single submitter. Criteria: Ambry Variant Classification Scheme 2023. Collection method: clinical testing. Allele origin: germline.

Breakthrough Genomics
Classification: Benign. Review status: criteria provided, single submitter. Criteria: ACMG Guidelines, 2015. Collection method: not provided. Allele origin: germline. Inheritance: Autosomal recessive inheritance. Affected: yes.

PreventionGenetics, part of Exact Sciences
Classification: Benign for TXNRD2-related condition. Last evaluated: 2019-03-05. Review status: no assertion criteria provided. Collection method: clinical testing. Allele origin: germline. Not counted in ClinVar's aggregate classification.
Comment: This variant is classified as benign based on ACMG/AMP sequence variant interpretation guidelines (Richards et al. 2015 PMID: 25741868, with internal and published modifications).

NM_006440.5(TXNRD2):c.1233C>T (p.Ser411=)

Gene: TXNRD2 (thioredoxin reductase 2; minus strand). Cytogenetic location: 22q11.21.
Variant type: single nucleotide variant.
Coding change: c.1233C>T on transcript NM_006440.5 (MANE Select); coding-DNA position 1233, C replaced by T.
Protein change: p.Ser411=; no amino-acid change (serine 411 retained).
Molecular consequence: synonymous variant. On other transcripts: non-coding transcript variant (1).
Genome position (GRCh38, 1-based): chr22:19,880,221, G>A on the plus strand (C>T on the coding strand, the complement: TXNRD2 is on the minus strand). VCF-style: chr22-19880221-G-A. GRCh37 (hg19) VCF-style: chr22-19867744-G-A.
Other names: c.1230C>T, p.Ser410= (NM_001352300.2); c.1143C>T, p.Ser381= (NM_001352301.2); c.945C>T, p.Ser315= (NM_001352302.2).
Identifiers: ClinVar variation 240654 (VCV000240654.19), dbSNP rs35099271, ClinGen allele CA10103738.